The following is an entry in ClinVar:

ClinVar aggregate classification (germline): Likely benign. Review status: criteria provided, multiple submitters, no conflicts (2 of 4 stars). 3 submissions from 3 submitters: Likely benign (3). Last evaluated 2026-05-22.

Conditions:
NFS1-related disorder. Also called: NFS1-related condition.

Allele frequency attached by ClinVar (database versions not stated): TOPMed 0.00005; gnomAD 0.00006; 1000 Genomes Project 30x 0.00016; 1000 Genomes Project 0.00020.
gnomAD v4.1: 125 of 1,613,944 alleles (0.0077%); highest among the groups gnomAD compares: East Asian, 0.12%; 1 homozygote.

Submissions (3):

PreventionGenetics, part of Exact Sciences
Classification: Likely benign for NFS1-related condition. Last evaluated: 2026-05-22. Review status: criteria provided, single submitter. Criteria: ACMG Guidelines, 2015. Collection method: clinical testing. Allele origin: germline.
Comment: This variant is classified as likely benign based on ACMG/AMP sequence variant interpretation guidelines (Richards et al. 2015 PMID: 25741868, with internal and published modifications).

Labcorp Genetics (formerly Invitae), Labcorp
Classification: Likely benign. Last evaluated: 2023-06-05. Review status: criteria provided, single submitter. Criteria: Invitae Variant Classification Sherloc (09022015). Collection method: clinical testing. Allele origin: germline.

GeneDx
Classification: Likely benign. Last evaluated: 2017-06-27. Review status: criteria provided, single submitter. Criteria: GeneDx Variant Classification (06012015). Collection method: clinical testing. Allele origin: germline. Affected: yes.
Comment: This variant is considered likely benign or benign based on one or more of the following criteria: it is a conservative change, it occurs at a poorly conserved position in the protein, it is predicted to be benign by multiple in silico algorithms, and/or has population frequency not consistent with disease.

NM_021100.5(NFS1):c.162A>C (p.Pro54=)

Gene: NFS1 (NFS1 cysteine desulfurase; minus strand). Cytogenetic location: 20q11.22.
Variant type: single nucleotide variant.
Coding change: c.162A>C on transcript NM_021100.5 (MANE Select); coding-DNA position 162, A replaced by C.
Protein change: p.Pro54=; no amino-acid change (proline 54 retained).
Molecular consequence: synonymous variant. On other transcripts: non-coding transcript variant (1).
Genome position (GRCh38, 1-based): chr20:35,698,526, T>G on the plus strand (A>C on the coding strand, the complement: NFS1 is on the minus strand). VCF-style: chr20-35698526-T-G. GRCh37 (hg19) VCF-style: chr20-34286448-T-G.
Other names: c.162A>C, p.Pro54= (NM_001198989.2).
Identifiers: ClinVar variation 518097 (VCV000518097.10), dbSNP rs370949785, ClinGen allele CA9837355.